The following is an entry in ClinVar:

ClinVar aggregate classification (germline): Likely benign (1 of 4 stars; one submission).

Conditions:
SEMA3B-related disorder. Also called: SEMA3B-related condition.

gnomAD v4.1: 65 of 1,570,296 alleles (0.0041%); highest among the groups gnomAD compares: Non-Finnish European, 0.0054%; no homozygotes.

Submission:

PreventionGenetics, part of Exact Sciences
Classification: Likely benign for SEMA3B-related condition. Last evaluated: 2025-02-05. Review status: criteria provided, single submitter. Criteria: ACMG Guidelines, 2015. Collection method: clinical testing. Allele origin: germline.
Comment: This variant is classified as likely benign based on ACMG/AMP sequence variant interpretation guidelines (Richards et al. 2015 PMID: 25741868, with internal and published modifications).

NM_001290060.2(SEMA3B):c.645C>T (p.His215=)

Gene: SEMA3B (semaphorin 3B; plus strand). Cytogenetic location: 3p21.31.
Variant type: single nucleotide variant.
Coding change: c.645C>T on transcript NM_001290060.2 (MANE Select); coding-DNA position 645, C replaced by T.
Protein change: p.His215=; no amino-acid change (histidine 215 retained).
Molecular consequence: synonymous variant.
Genome position (GRCh38, 1-based): chr3:50,271,461, C>T. VCF-style: chr3-50271461-C-T. GRCh37 (hg19) VCF-style: chr3-50308892-C-T.
Other names: c.645C>T, p.His215= (NM_001005914.3, NM_001290061.1, NM_001435956.1 and 3 more transcripts).
Identifiers: ClinVar variation 4981426 (VCV004981426.1).